The following is an entry in ClinVar:

ClinVar aggregate classification (germline): Pathogenic. Review status: criteria provided, multiple submitters, no conflicts (2 of 4 stars). 3 submissions from 3 submitters: Pathogenic (3). Last evaluated 2025-12-10.

Conditions:
Coffin-Siris syndrome 1 (CSS1). Also called: ARID1B-Related Coffin-Siris Syndrome; Mental retardation, autosomal dominant 12. Identifiers: Orphanet 1465, MedGen C3281201, MONDO:0007617, OMIM 135900. Disease mechanism: gain of function.

Submissions (3):

GeneDx
Classification: Pathogenic. Last evaluated: 2025-12-10. Review status: criteria provided, single submitter. Criteria: GeneDx Variant Classification Process June 2021. Collection method: clinical testing. Allele origin: germline. Affected: yes.
Comment: Frameshift variant predicted to result in protein truncation or nonsense mediated decay in a gene for which loss-of-function is a known mechanism of disease; Not observed at significant frequency in large population cohorts (gnomAD); Has not been previously published as pathogenic or benign to our knowledge

3billion
Classification: Pathogenic for Coffin-Siris syndrome 1. Last evaluated: 2022-01-03. Review status: criteria provided, single submitter. Criteria: ACMG Guidelines, 2015. Collection method: clinical testing. Allele origin: germline. Affected: yes. Observed: 1 heterozygote.
Comment: The variant has been reported to be associated with ARID1B related disorder (ClinVar ID: VCV000426825).Frameshift: predicted to result in a loss or disruption of normal protein function through nonsense-mediated decay (NMD) or protein truncation. Multiple pathogenic variants are reported downstream of the variant (PVS1_VS). It is not observed in the gnomAD v2.1.1 dataset (PM2_M). Therefore, this variant is classified as pathogenic according to the recommendation of ACMG/AMP guideline.

Clinical Genetics Service, Universitary Hospital 12 de Octubre
Classification: Pathogenic for Coffin-Siris syndrome 1. Review status: criteria provided, single submitter. Criteria: ACMG Guidelines, 2015. Collection method: clinical testing. Allele origin: germline. Affected: yes.

NM_001374828.1(ARID1B):c.1649_1659del (p.Gln550fs)

Gene: ARID1B (AT-rich interaction domain 1B; plus strand). Cytogenetic location: 6q25.3.
Variant type: Deletion.
Coding change: c.1649_1659del on transcript NM_001374828.1 (MANE Select); coding-DNA positions 1649 to 1659, 11 bases deleted (AGCAGGCGGCC).
Protein change: p.Gln550fs; shifts the reading frame from glutamine 550.
Molecular consequence: frameshift variant.
Genome position (GRCh38, 1-based): chr6:156,779,329-156,779,339, AGCAGGCGGCC deleted; deleting any 11 consecutive bases within chr6:156,779,322-156,779,339 gives the same sequence; the c. name uses the placement nearest the transcript's 3' end. VCF-style (leftmost placement, unchanged base first): chr6-156779321-GGGCGGCCAGCA-G. GRCh37 (hg19) VCF-style: chr6-157100455-GGGCGGCCAGCA-G.
Other names: c.1400_1410del, p.Gln467fs (NM_020732.3); c.1649_1659del, p.Gln550fs (NM_001371656.1, NM_001374820.1, NM_017519.3); c.1400_1410delAGCAGGCGGCC (NM_020732.3); short protein forms Q467fs, Q550fs.
Identifiers: ClinVar variation 426825 (VCV000426825.7), dbSNP rs1085307818, ClinGen allele CA645294041.